The following is an entry in ClinVar:

ClinVar aggregate classification (germline): Uncertain significance (1 of 4 stars; one submission).

Conditions:
Developmental and epileptic encephalopathy, 32 (DEE32). Also called: Epileptic encephalopathy, early infantile, 32. Identifiers: Orphanet 442835, MedGen C4225350, MONDO:0014607, OMIM 616366.

Submission:

Labcorp Genetics (formerly Invitae), Labcorp
Classification: Uncertain significance for Developmental and epileptic encephalopathy, 32. Last evaluated: 2022-07-05. Review status: criteria provided, single submitter. Criteria: Invitae Variant Classification Sherloc (09022015). Collection method: clinical testing. Allele origin: germline.
Comment: This sequence change replaces valine, which is neutral and non-polar, with leucine, which is neutral and non-polar, at codon 299 of the KCNA2 protein (p.Val299Leu). In summary, the available evidence is currently insufficient to determine the role of this variant in disease. Therefore, it has been classified as a Variant of Uncertain Significance. Algorithms developed to predict the effect of sequence changes on RNA splicing suggest that this variant may disrupt the consensus splice site. Algorithms developed to predict the effect of missense changes on protein structure and function (SIFT, PolyPhen-2, Align-GVGD) all suggest that this variant is likely to be disruptive. ClinVar contains an entry for this variant (Variation ID: 476054). This variant has not been reported in the literature in individuals affected with KCNA2-related conditions. This variant is not present in population databases (gnomAD no frequency).

NM_004974.4(KCNA2):c.895G>C (p.Val299Leu)

Gene: KCNA2 (potassium voltage-gated channel subfamily A member 2; minus strand). Cytogenetic location: 1p13.3.
Variant type: single nucleotide variant.
Coding change: c.895G>C on transcript NM_004974.4 (MANE Select); coding-DNA position 895, G replaced by C.
Protein change: p.Val299Leu; replaces valine 299 with leucine.
Molecular consequence: missense variant. On other transcripts: splice donor variant (1).
Genome position (GRCh38, 1-based): chr1:110,603,888, C>G on the plus strand (G>C on the coding strand, the complement: KCNA2 is on the minus strand). VCF-style: chr1-110603888-C-G. GRCh37 (hg19) VCF-style: chr1-111146510-C-G.
Other names: c.894+1G>C (NM_001204269.2); short protein forms V299L.
Identifiers: ClinVar variation 476054 (VCV000476054.9), dbSNP rs1553181334, ClinGen allele CA341602872.